The following is an entry in ClinVar:

NM_014611.3(MDN1):c.14072A>C (p.Asp4691Ala)

Genes: MDN1 (midasin AAA ATPase 1; minus strand), MDN1-AS1 (MDN1 antisense RNA 1; plus strand). Cytogenetic location: 6q15.
Variant type: single nucleotide variant.
Coding change: c.14072A>C on transcript NM_014611.3 (MANE Select); coding-DNA position 14072, A replaced by C.
Protein change: p.Asp4691Ala; replaces aspartic acid 4691 with alanine.
Molecular consequence: missense variant.
Genome position (GRCh38, 1-based): chr6:89,668,036, T>G on the plus strand (A>C on the coding strand, the complement: MDN1 is on the minus strand). VCF-style: chr6-89668036-T-G. GRCh37 (hg19) VCF-style: chr6-90377755-T-G.
Other names: short protein forms D4691A.
Identifiers: ClinVar variation 4550698 (VCV004550698.1).
Genomic context (GRCh38, chr6:89,668,036, plus strand): 5'-TGATCTTCTGTCAACTGTATACCTATGTGAAAACGTACCTGTTCTTCATTTCCGATCTGG[T>G]CACTCACATCCTTCATGCCCTCGCCTTCTCCAATTCCACCTCCCTCATAGTCATGGAACT-3'
Protein context (NP_055426.1, residues 4681-4701): GEGEGMKDVS[Asp4691Ala]QIGNEEQVED

ClinVar aggregate classification (germline): Uncertain significance (1 of 4 stars; one submission).

gnomAD v4.1: 2 of 1,614,022 alleles (0.00012%); highest among the groups gnomAD compares: Non-Finnish European, 0.00017%; no homozygotes.

Submission:

Ambry Genetics
Classification: Uncertain significance. Last evaluated: 2025-10-22. Review status: criteria provided, single submitter. Criteria: Ambry Variant Classification Scheme 2023. Collection method: clinical testing. Allele origin: germline.
Comment: The c.14072A>C (p.D4691A) alteration is located in exon 84 (coding exon 84) of the MDN1 gene. This alteration results from a A to C substitution at nucleotide position 14072, causing the aspartic acid (D) at amino acid position 4691 to be replaced by an alanine (A). Based on data from gnomAD, the C allele has an overall frequency of 0.001% (2/251398) total alleles studied. The highest observed frequency was 0.002% (2/113704) of European (non-Finnish) alleles. Based on insufficient or conflicting evidence, the clinical significance of this alteration remains unclear.